The following is an entry in ClinVar:

NM_001165963.4(SCN1A):c.4476+3A>T

Genes: SCN1A (sodium voltage-gated channel alpha subunit 1; minus strand), LOC102724058 (uncharacterized LOC102724058; plus strand). Cytogenetic location: 2q24.3.
Variant type: single nucleotide variant.
Coding change: c.4476+3A>T on transcript NM_001165963.4 (MANE Select); 3 bases into the intron after coding-DNA position 4476, A replaced by T.
Molecular consequence: intron variant.
Genome position (GRCh38, 1-based): chr2:165,998,035, T>A on the plus strand (A>T on the coding strand, the complement: SCN1A is on the minus strand). VCF-style: chr2-165998035-T-A. GRCh37 (hg19) VCF-style: chr2-166854545-T-A.
Other names: c.4443+3A>T (NM_001353949.2, NM_001353950.2, NM_001353951.2 and 2 more transcripts); c.4392+3A>T (NM_001353958.2, NM_001353957.2, NM_001165964.3); c.4476+3A>T (NM_001202435.3, NM_001353948.2); c.4440+3A>T (NM_001353955.2, NM_001353954.2); c.4389+3A>T (NM_001353960.2); c.2034+3A>T (NM_001353961.2).
Identifiers: ClinVar variation 3391777 (VCV003391777.1).

ClinVar aggregate classification (germline): Uncertain significance (1 of 4 stars; one submission).

Submission:

GeneDx
Classification: Uncertain significance. Last evaluated: 2024-06-21. Review status: criteria provided, single submitter. Criteria: GeneDx Variant Classification Process June 2021. Collection method: clinical testing. Allele origin: germline. Affected: yes.
Comment: Not observed at significant frequency in large population cohorts (gnomAD); Has not been previously published as pathogenic or benign to our knowledge; In silico analysis is inconclusive as to whether the variant alters gene splicing. In the absence of RNA/functional studies, the actual effect of this sequence change is unknown.